The following is an entry in ClinVar:

NM_014874.4(MFN2):c.2004T>G (p.His668Gln)

Gene: MFN2 (mitofusin 2; plus strand). Cytogenetic location: 1p36.22.
Variant type: single nucleotide variant.
Coding change: c.2004T>G on transcript NM_014874.4 (MANE Select); coding-DNA position 2004, T replaced by G.
Protein change: p.His668Gln; replaces histidine 668 with glutamine.
Molecular consequence: missense variant.
Genome position (GRCh38, 1-based): chr1:12,007,184, T>G. VCF-style: chr1-12007184-T-G. GRCh37 (hg19) VCF-style: chr1-12067241-T-G.
Other names: c.2004T>G, p.His668Gln (NM_001127660.2); short protein forms H668Q.
Identifiers: ClinVar variation 1305159 (VCV001305159.2), dbSNP rs549425750, ClinGen allele CA338451464.
Genomic context (GRCh38, chr1:12,007,184, plus strand): 5'-GCGTCTGACCTGGACCACCAAGGCCAAGGAGAGGGCCTTCAAGCGCCAGTTTGTGGAGCA[T>G]GCCAGCGAGAAGCTGCAGCTTGTCATCAGCTACACTGGCTCCAACTGCAGCCACCAAGTC-3'
Protein context (NP_055689.1, residues 658-678): ERAFKRQFVE[His668Gln]ASEKLQLVIS

ClinVar aggregate classification (germline): Uncertain significance (1 of 4 stars; one submission).

Submission:

GeneDx
Classification: Uncertain significance. Last evaluated: 2019-04-25. Review status: criteria provided, single submitter. Criteria: GeneDx Variant Classification Process June 2021. Collection method: clinical testing. Allele origin: germline. Affected: yes.
Comment: Not observed in large population cohorts (Lek et al., 2016); In silico analysis, which includes protein predictors and evolutionary conservation, supports a deleterious effect; Has not been previously published as pathogenic or benign to our knowledge